The following is an entry in ClinVar:

NM_144670.6(A2ML1):c.1910del (p.Gly637fs)

Gene: A2ML1 (alpha-2-macroglobulin like 1; plus strand). Cytogenetic location: 12p13.31.
Variant type: Deletion.
Coding change: c.1910del on transcript NM_144670.6 (MANE Select); coding-DNA position 1910, one base deleted (G; older notation c.1910delG).
Protein change: p.Gly637fs; shifts the reading frame from glycine 637.
Molecular consequence: frameshift variant.
Genome position (GRCh38, 1-based): chr12:8,848,796, G deleted; the last of 2 consecutive G bases (chr12:8,848,795-8,848,796); deleting either gives the same sequence. VCF-style (leftmost placement, unchanged base first): chr12-8848794-TG-T. GRCh37 (hg19) VCF-style: chr12-9001390-TG-T.
Other names: c.437del, p.Gly146fs (NM_001282424.3); short protein forms G637fs, G146fs.
Identifiers: ClinVar variation 3706134 (VCV003706134.2).

ClinVar aggregate classification (germline): Uncertain significance (1 of 4 stars; one submission).

Submission:

Labcorp Genetics (formerly Invitae), Labcorp
Classification: Uncertain significance. Last evaluated: 2024-11-12. Review status: criteria provided, single submitter. Criteria: Invitae Variant Classification Sherloc (09022015). Collection method: clinical testing. Allele origin: germline.
Comment: This sequence change creates a premature translational stop signal (p.Gly637Alafs*44) in the A2ML1 gene. It is expected to result in an absent or disrupted protein product. However, the current clinical and genetic evidence is not sufficient to establish whether loss-of-function variants in A2ML1 cause disease. This variant is present in population databases (no rsID available, gnomAD 0.03%). This variant has not been reported in the literature in individuals affected with A2ML1-related conditions. In summary, the available evidence is currently insufficient to determine the role of this variant in disease. Therefore, it has been classified as a Variant of Uncertain Significance.